The following is an entry in ClinVar:

ClinVar aggregate classification (germline): Uncertain significance (1 of 4 stars; one submission).

Allele frequency attached by ClinVar (database versions not stated): gnomAD exomes below 0.00001; ExAC 0.00001.
gnomAD v4.1: 4 of 1,614,058 alleles (0.00025%); highest among the groups gnomAD compares: Non-Finnish European, 0.00034%; no homozygotes.

Submission:

Labcorp Genetics (formerly Invitae), Labcorp
Classification: Uncertain significance. Last evaluated: 2021-08-28. Review status: criteria provided, single submitter. Criteria: Invitae Variant Classification Sherloc (09022015). Collection method: clinical testing. Allele origin: germline.
Comment: This sequence change replaces asparagine with aspartic acid at codon 100 of the CLRN1 protein (p.Asn100Asp). The asparagine residue is moderately conserved and there is a small physicochemical difference between asparagine and aspartic acid. This variant is present in population databases (rs772601378, ExAC 0.002%). This variant has not been reported in the literature in individuals affected with CLRN1-related conditions. Algorithms developed to predict the effect of missense changes on protein structure and function (SIFT, PolyPhen-2, Align-GVGD) all suggest that this variant is likely to be tolerated. In summary, the available evidence is currently insufficient to determine the role of this variant in disease. Therefore, it has been classified as a Variant of Uncertain Significance.

NM_174878.3(CLRN1):c.298A>G (p.Asn100Asp)

Gene: CLRN1 (clarin 1; minus strand). Cytogenetic location: 3q25.1.
Variant type: single nucleotide variant.
Coding change: c.298A>G on transcript NM_174878.3 (MANE Select); coding-DNA position 298, A replaced by G.
Protein change: p.Asn100Asp; replaces asparagine 100 with aspartic acid.
Molecular consequence: missense variant. On other transcripts: non-coding transcript variant (1).
Genome position (GRCh38, 1-based): chr3:150,941,717, T>C on the plus strand (A>G on the coding strand, the complement: CLRN1 is on the minus strand). VCF-style: chr3-150941717-T-C. GRCh37 (hg19) VCF-style: chr3-150659504-T-C.
Other names: c.298A>G, p.Asn100Asp (NM_001195794.1); c.470A>G, p.Gln157Arg (NM_001256819.2); c.70A>G, p.Asn24Asp (NM_052995.2); short protein forms N24D, N100D, Q157R.
Identifiers: ClinVar variation 850166 (VCV000850166.6), dbSNP rs772601378, ClinGen allele CA2666091.
Genomic context (GRCh38, chr3:150,941,717, plus strand): 5'-TGAAGAAGGCTGTCCCCACCATGGTTAACACAATAAGGATGGCAGAGAAGAGAATGACAT[T>C]GACGTGGATGCTCACTGGGATTGCTTTGAGCAAATCTGGAAAAACTGAAGATAAGACAAA-3'
Protein context (NP_777367.1, residues 90-110): LKAIPVSIHV[Asn100Asp]VILFSAILIV